The following is an entry in ClinVar:

ClinVar aggregate classification (germline): Uncertain significance (1 of 4 stars; one submission).

Conditions:
Familial sleep-related hypermotor epilepsy. Also called: Autosomal Dominant Sleep-Related Hypermotor (Hyperkinetic) Epilepsy. Identifiers: Orphanet 98784, MedGen C3696898, MONDO:0000030.

gnomAD v4.1: 3 of 1,604,260 alleles (0.00019%); highest among the groups gnomAD compares: African/African-American, 0.004%; no homozygotes.

Submission:

Labcorp Genetics (formerly Invitae), Labcorp
Classification: Uncertain significance. Last evaluated: 2025-12-31. Review status: criteria provided, single submitter. Criteria: Invitae Variant Classification Sherloc (09022015). Collection method: clinical testing. Allele origin: germline.
Comment: This sequence change replaces leucine, which is neutral and non-polar, with phenylalanine, which is neutral and non-polar, at codon 11 of the CHRNB2 protein (p.Leu11Phe). This variant is present in population databases (no rsID available, gnomAD 0.01%). This variant has not been reported in the literature in individuals affected with CHRNB2-related conditions. Invitae Evidence Modeling of protein sequence and biophysical properties (such as structural, functional, and spatial information, amino acid conservation, physicochemical variation, residue mobility, and thermodynamic stability) indicates that this missense variant is not expected to disrupt CHRNB2 protein function with a negative predictive value of 95%. In summary, the available evidence is currently insufficient to determine the role of this variant in disease. Therefore, it has been classified as a Variant of Uncertain Significance.

NM_000748.3(CHRNB2):c.31C>T (p.Leu11Phe)

Genes: CHRNB2 (cholinergic receptor nicotinic beta 2 subunit; plus strand), LOC129931511 (ATAC-STARR-seq lymphoblastoid silent region 1363; plus strand). Cytogenetic location: 1q21.3.
Variant type: single nucleotide variant.
Coding change: c.31C>T on transcript NM_000748.3 (MANE Select); coding-DNA position 31, C replaced by T.
Protein change: p.Leu11Phe; replaces leucine 11 with phenylalanine.
Molecular consequence: missense variant.
Genome position (GRCh38, 1-based): chr1:154,568,075, C>T. VCF-style: chr1-154568075-C-T. GRCh37 (hg19) VCF-style: chr1-154540551-C-T.
Other names: short protein forms L11F.
Identifiers: ClinVar variation 4707772 (VCV004707772.1).
Genomic context (GRCh38, chr1:154,568,075, plus strand): 5'-GTAGGCGAGGCAGCGAGCTATGCCCGCGGCATGGCCCGGCGCTGCGGCCCCGTGGCGCTG[C>T]TCCTTGGCTTCGGCCTCCTCCGGCTGTGCTCAGGTAAGGGAAAGACGGGCACTGGCCAGG-3'
Protein context (NP_000739.1, residues 1-21): MARRCGPVAL[Leu11Phe]LGFGLLRLCS